The following is an entry in ClinVar:

NM_001286445.3(RIPOR2):c.1452A>G (p.Pro484=)

Gene: RIPOR2 (RHO family interacting cell polarization regulator 2; minus strand). Cytogenetic location: 6p22.3.
Variant type: single nucleotide variant.
Coding change: c.1452A>G on transcript NM_001286445.3 (MANE Select); coding-DNA position 1452, A replaced by G.
Protein change: p.Pro484=; no amino-acid change (proline 484 retained).
Molecular consequence: synonymous variant.
Genome position (GRCh38, 1-based): chr6:24,843,267, T>C on the plus strand (A>G on the coding strand, the complement: RIPOR2 is on the minus strand). VCF-style: chr6-24843267-T-C. GRCh37 (hg19) VCF-style: chr6-24843495-T-C.
Other names: c.1467A>G, p.Pro489= (NM_001286446.3); c.1365A>G, p.Pro455= (NM_001286447.2, NM_001346031.2, NM_001346032.2 and 1 more transcripts); c.1515A>G, p.Pro505= (NM_014722.5).
Identifiers: ClinVar variation 667059 (VCV000667059.18), dbSNP rs151067857, ClinGen allele CA3659250.
Genomic context (GRCh38, chr6:24,843,267, plus strand): 5'-ACCTGAGGACTGTCGGCGGCAAGCCTCAGATGGGGCCGAGGCAGGTTTTCTGGGCTCCTC[T>C]GGGTCTTCCTCCTTCAGGTGTGACTTTGGCTCTTGGCCTTCTCCCAGGGAGTTCCTGGAA-3'
Protein context (NP_001273374.1, residues 474-494): EPKSHLKEED[Pro484=]EEPRKPASAP

ClinVar aggregate classification (germline): Benign/Likely benign. Review status: criteria provided, multiple submitters, no conflicts (2 of 4 stars). 4 submissions from 4 submitters: Benign (3); Likely benign (1). Last evaluated 2025-09-01.

Allele frequency attached by ClinVar (database versions not stated): gnomAD exomes 0.00042 and 0.00120; ExAC 0.00141; gnomAD 0.00360 and 0.00380; TOPMed 0.00424; ESP Exome Variant Server 0.00431; 1000 Genomes Project 0.00519; 1000 Genomes Project 30x 0.00593.
gnomAD v4.1: 1,187 of 1,614,018 alleles (0.074%); highest among the groups gnomAD compares: African/African-American, 1.3%; 4 homozygotes.

Submissions (4):

Labcorp Genetics (formerly Invitae), Labcorp
Classification: Benign. Last evaluated: 2025-09-01. Review status: criteria provided, single submitter. Criteria: Invitae Variant Classification Sherloc (09022015). Collection method: clinical testing. Allele origin: germline.

Blueprint Genetics
Classification: Likely benign. Last evaluated: 2024-11-06. Review status: criteria provided, single submitter. Criteria: ACMG Guidelines, 2015. Collection method: clinical testing. Allele origin: germline.

GeneDx
Classification: Benign. Last evaluated: 2018-11-19. Review status: criteria provided, single submitter. Criteria: GeneDx Variant Classification Process June 2021. Collection method: clinical testing. Allele origin: germline. Affected: yes.

Laboratory for Molecular Medicine, Mass General Brigham Personalized Medicine
Classification: Benign. Last evaluated: 2017-08-23. Review status: criteria provided, single submitter. Criteria: LMM Criteria. Collection method: clinical testing. Allele origin: germline. Observed: 1 variant allele.
Comment: p.Pro505Pro in exon 14 of FAM65B: This variant is not expected to have clinical significance because it does not alter an amino acid residue, is not located wit hin the splice consensus sequence, and has been identified in 1.55% (152/9798) o f African chromosomes by the Exome Aggregation Consortium (ExAC; dbSNP rs151067857).